The following is an entry in ClinVar:

ClinVar aggregate classification (germline): Uncertain significance (1 of 4 stars; one submission).

Conditions:
Familial thoracic aortic aneurysm and aortic dissection (TAAD). Also called: Thoracic aortic aneurysms and dissections. Identifiers: Orphanet 91387, MedGen C4707243, MONDO:0019625.

Submission:

Ambry Genetics
Classification: Uncertain significance for Familial thoracic aortic aneurysm and aortic dissection. Last evaluated: 2024-08-06. Review status: criteria provided, single submitter. Criteria: Ambry Variant Classification Scheme 2023. Collection method: clinical testing. Allele origin: germline.
Comment: The p.G1879R variant (also known as c.5635G>C), located in coding exon 45 of the FBN1 gene, results from a G to C substitution at nucleotide position 5635. The glycine at codon 1879 is replaced by arginine, an amino acid with dissimilar properties. This amino acid position is highly conserved in available vertebrate species. In addition, this alteration is predicted to be deleterious by in silico analysis. Since supporting evidence is limited at this time, the clinical significance of this alteration remains unclear.

NM_000138.5(FBN1):c.5635G>C (p.Gly1879Arg)

Gene: FBN1 (fibrillin 1; minus strand). Cytogenetic location: 15q21.1.
Variant type: single nucleotide variant.
Coding change: c.5635G>C on transcript NM_000138.5 (MANE Select); coding-DNA position 5635, G replaced by C.
Protein change: p.Gly1879Arg; replaces glycine 1879 with arginine.
Molecular consequence: missense variant.
Genome position (GRCh38, 1-based): chr15:48,448,804, C>G on the plus strand (G>C on the coding strand, the complement: FBN1 is on the minus strand). VCF-style: chr15-48448804-C-G. GRCh37 (hg19) VCF-style: chr15-48741001-C-G.
Other names: short protein forms G1879R.
Identifiers: ClinVar variation 519722 (VCV000519722.6), dbSNP rs1555395979, ClinGen allele CA392341831.